The following is an entry in ClinVar:

ClinVar aggregate classification (germline): Uncertain significance (1 of 4 stars; one submission).

Submission:

GeneDx
Classification: Uncertain significance. Last evaluated: 2023-02-03. Review status: criteria provided, single submitter. Criteria: GeneDx Variant Classification Process June 2021. Collection method: clinical testing. Allele origin: germline. Affected: yes.
Comment: Not observed at significant frequency in large population cohorts (gnomAD); In silico analysis supports that this missense variant has a deleterious effect on protein structure/function; Has not been previously published as pathogenic or benign to our knowledge

NM_007327.4(GRIN1):c.2204T>G (p.Val735Gly)

Gene: GRIN1 (glutamate ionotropic receptor NMDA type subunit 1; plus strand). Cytogenetic location: 9q34.3.
Variant type: single nucleotide variant.
Coding change: c.2204T>G on transcript NM_007327.4 (MANE Select); coding-DNA position 2204, T replaced by G.
Protein change: p.Val735Gly; replaces valine 735 with glycine.
Molecular consequence: missense variant.
Genome position (GRCh38, 1-based): chr9:137,163,201, T>G. VCF-style: chr9-137163201-T-G. GRCh37 (hg19) VCF-style: chr9-140057653-T-G.
Other names: c.2267T>G, p.Val756Gly (NM_001185091.2, NM_001185090.2); c.2204T>G, p.Val735Gly (NM_021569.4, NM_000832.7); short protein forms V735G, V756G.
Identifiers: ClinVar variation 2575007 (VCV002575007.1), dbSNP rs2538645065, ClinGen allele CA375722888.